The following is an entry in ClinVar:

NM_007294.4(BRCA1):c.5074+14C>T

Gene: BRCA1 (BRCA1 DNA repair associated; minus strand). Cytogenetic location: 17q21.31.
Variant type: single nucleotide variant.
Coding change: c.5074+14C>T on transcript NM_007294.4 (MANE Select); 14 bases into the intron after coding-DNA position 5074, C replaced by T.
Molecular consequence: intron variant.
Genome position (GRCh38, 1-based): chr17:43,067,594, G>A on the plus strand (C>T on the coding strand, the complement: BRCA1 is on the minus strand). VCF-style: chr17-43067594-G-A. GRCh37 (hg19) VCF-style: chr17-41219611-G-A.
Other names: c.1642+14C>T (NM_001408428.1, NM_001408429.1, NM_001408426.1 and 4 more transcripts); c.4948+14C>T (NM_001407678.1, NM_001407673.1, NM_001407674.1 and 11 more transcripts); c.4951+14C>T (NM_001407666.1, NM_001407919.1, NM_001407937.1 and 6 more transcripts); c.1648+14C>T (NM_001408418.1, NM_001408420.1, NM_001408419.1); c.1762+14C>T (NM_001407981.1, NM_007298.4, NM_001407986.1 and 12 more transcripts); c.1765+14C>T (NM_001407978.1, NM_001407977.1, NM_001407976.1 and 3 more transcripts); c.5068+14C>T (NM_001407639.1, NM_001407630.1, NM_001407633.1 and 14 more transcripts); c.5071+14C>T (NM_001407859.1, NM_001407620.1, NM_001407623.1 and 17 more transcripts); and 71 more.
Identifiers: ClinVar variation 136088 (VCV000136088.54), dbSNP rs370299792, ClinGen allele CA003192.

ClinVar aggregate classification (germline): Likely benign. Review status: criteria provided, multiple submitters, no conflicts (2 of 4 stars). 8 submissions from 8 submitters: Likely benign (7). 1 of the submissions does not count toward it. Last evaluated 2026-01-28.

Conditions:
Familial cancer of breast. Also called: Hereditary breast cancer; hereditary breast carcinoma; BREAST CANCER, FAMILIAL. Identifiers: Orphanet 227535, MedGen C0346153, MONDO:0016419, OMIM 114480. Disease mechanism: loss of function.
Fanconi anemia, complementation group S (FANCS). Identifiers: MedGen C4554406, MONDO:0054748, OMIM 617883.
Breast-ovarian cancer, familial, susceptibility to, 1 (BROVCA1). Also called: BRCA1 Hereditary Breast and Ovarian Cancer; OVARIAN CANCER, SUSCEPTIBILITY TO. Identifiers: Orphanet 145, MedGen C2676676, MONDO:0011450, OMIM 604370. Disease mechanism: loss of function.
Hereditary cancer-predisposing syndrome. Also called: Tumor predisposition; Hereditary neoplastic syndrome; Hereditary Cancer Syndrome; Neoplastic Syndromes, Hereditary. Identifiers: Orphanet 140162, MedGen C0027672, MeSH D009386, MONDO:0015356.
Hereditary breast ovarian cancer syndrome. Also called: Hereditary breast and ovarian cancer; Hereditary breast and/or ovarian cancer syndrome; BRCA1- and BRCA2-Associated Hereditary Breast and Ovarian Cancer; Hereditary breast and ovarian cancer syndrome (HBOC); Hereditary breast and ovarian cancer syndrome; Breast and ovarian cancer. Identifiers: Orphanet 145, MedGen C0677776, MeSH D061325, MONDO:0003582. Disease mechanism: loss of function.

Allele frequency attached by ClinVar (database versions not stated): ESP Exome Variant Server 0.00008; gnomAD exomes below 0.00001; gnomAD 0.00001; TOPMed 0.00001; ExAC 0.00002.
gnomAD v4.1: 14 of 1,587,094 alleles (0.00088%); highest among the groups gnomAD compares: Non-Finnish European, 0.0012%; no homozygotes.

Submissions (8):

Labcorp Genetics (formerly Invitae), Labcorp
Classification: Likely benign for Hereditary breast ovarian cancer syndrome. Last evaluated: 2026-01-28. Review status: criteria provided, single submitter. Criteria: Invitae Variant Classification Sherloc (09022015). Collection method: clinical testing. Allele origin: germline.

Women's Health and Genetics/Laboratory Corporation of America, LabCorp
Classification: Likely benign. Last evaluated: 2025-10-30. Review status: criteria provided, single submitter. Criteria: LabCorp Variant Classification Summary - May 2015. Collection method: clinical testing. Allele origin: germline.

German Consortium for Hereditary Breast and Ovarian Cancer, University Hospital Cologne
Classification: Likely benign for Hereditary breast ovarian cancer syndrome. Last evaluated: 2025-02-18. Review status: criteria provided, single submitter. Criteria: ClinGen BRCA1 V1.1.0. Collection method: curation. Allele origin: germline.
Comment: According to the ClinGen ENIGMA BRCA1 v1.1.0 criteria we chose these criteria: BP4 (supporting benign): spliceAI: BRCA1: 0.0, BP7 (supporting benign): BP4 met & intronic variant located outside conserved donor or acceptor motif positions (beyond positions +7)

CeGaT Center for Human Genetics Tuebingen
Classification: Likely benign. Last evaluated: 2021-08-01. Review status: criteria provided, single submitter. Criteria: CeGaT Center For Human Genetics Tuebingen Variant Classification Criteria Version 2. Collection method: clinical testing. Allele origin: germline. Affected: yes. Observed: 1 variant allele.

Department of Pathology and Laboratory Medicine, Sinai Health System
Classification: Likely benign for Familial cancer of breast; Breast-ovarian cancer, familial, susceptibility to, 1; Fanconi anemia, complementation group S. Last evaluated: 2021-07-21. Review status: criteria provided, single submitter. Criteria: ACMG Guidelines, 2015. Collection method: clinical testing. Allele origin: germline. Affected: no.

Color Diagnostics, LLC DBA Color Health
Classification: Likely benign for Hereditary cancer-predisposing syndrome. Last evaluated: 2018-04-05. Review status: criteria provided, single submitter. Criteria: ACMG Guidelines, 2015. Collection method: clinical testing. Allele origin: germline.

GeneDx
Classification: Likely benign. Last evaluated: 2016-10-11. Review status: criteria provided, single submitter. Criteria: GeneDx Variant Classification (06012015). Collection method: clinical testing. Allele origin: germline. Affected: yes.
Comment: This variant is considered likely benign or benign based on one or more of the following criteria: it is a conservative change, it occurs at a poorly conserved position in the protein, it is predicted to be benign by multiple in silico algorithms, and/or has population frequency not consistent with disease.

Counsyl
Classification: Likely benign for Breast-ovarian cancer, familial, susceptibility to, 1. Last evaluated: 2016-09-19. Review status: no assertion criteria provided. Collection method: clinical testing. Allele origin: unknown. Not counted in ClinVar's aggregate classification.